The following is an entry in ClinVar:

ClinVar aggregate classification (germline): Uncertain significance (1 of 4 stars; one submission).

Conditions:
Brachyolmia-amelogenesis imperfecta syndrome. Also called: PLATYSPONDYLY WITH AMELOGENESIS IMPERFECTA; Tooth agenesis, selective, 6; Dental anomalies and short stature. Identifiers: Orphanet 2899, MedGen C1832594, MONDO:0011018, OMIM 601216. Disease mechanism: loss of function.

Submission:

Labcorp Genetics (formerly Invitae), Labcorp
Classification: Uncertain significance for Brachyolmia-amelogenesis imperfecta syndrome. Last evaluated: 2025-10-22. Review status: criteria provided, single submitter. Criteria: Invitae Variant Classification Sherloc (09022015). Collection method: clinical testing. Allele origin: germline.
Comment: This sequence change replaces phenylalanine, which is neutral and non-polar, with leucine, which is neutral and non-polar, at codon 554 of the LTBP3 protein (p.Phe554Leu). The frequency data for this variant in the population databases is considered unreliable, as metrics indicate poor data quality at this position in the gnomAD database. This variant has not been reported in the literature in individuals affected with LTBP3-related conditions. ClinVar contains an entry for this variant (Variation ID: 1403794). An algorithm developed to predict the effect of missense changes on protein structure and function (PolyPhen-2) suggests that this variant is likely to be tolerated. In summary, the available evidence is currently insufficient to determine the role of this variant in disease. Therefore, it has been classified as a Variant of Uncertain Significance.

NM_001130144.3(LTBP3):c.1660T>C (p.Phe554Leu)

Gene: LTBP3 (latent transforming growth factor beta binding protein 3; minus strand). Cytogenetic location: 11q13.1.
Variant type: single nucleotide variant.
Coding change: c.1660T>C on transcript NM_001130144.3 (MANE Select); coding-DNA position 1660, T replaced by C.
Protein change: p.Phe554Leu; replaces phenylalanine 554 with leucine.
Molecular consequence: missense variant.
Genome position (GRCh38, 1-based): chr11:65,551,186, A>G on the plus strand (T>C on the coding strand, the complement: LTBP3 is on the minus strand). VCF-style: chr11-65551186-A-G. GRCh37 (hg19) VCF-style: chr11-65318657-A-G.
Other names: c.1309T>C, p.Phe437Leu (NM_001164266.1); c.1660T>C, p.Phe554Leu (NM_021070.4); short protein forms F437L, F554L.
Identifiers: ClinVar variation 1403794 (VCV001403794.8), dbSNP rs1229419620, ClinGen allele CA381272740.